The following is an entry in ClinVar:

ClinVar aggregate classification (germline): Uncertain significance. Review status: criteria provided, multiple submitters, no conflicts (2 of 4 stars). 3 submissions from 3 submitters: Uncertain significance (3). Last evaluated 2021-09-28.

Conditions:
Long QT syndrome (LQTS). Identifiers: MedGen C0023976, MeSH D008133, MONDO:0002442. Disease mechanism: loss of function. Inheritance: Various modes of inheritance.
Long QT syndrome 11 (LQT11). Identifiers: Orphanet 101016, Orphanet 768, MedGen C2678483, MONDO:0012738, OMIM 611820.

Allele frequency attached by ClinVar (database versions not stated): gnomAD exomes below 0.00001.

Submissions (3):

Fulgent Genetics
Classification: Uncertain significance for Long QT syndrome 11. Last evaluated: 2021-09-28. Review status: criteria provided, single submitter. Criteria: ACMG Guidelines, 2015. Collection method: clinical testing. Allele origin: unknown.

Labcorp Genetics (formerly Invitae), Labcorp
Classification: Uncertain significance for Long QT syndrome. Last evaluated: 2021-02-17. Review status: criteria provided, single submitter. Criteria: Invitae Variant Classification Sherloc (09022015). Collection method: clinical testing. Allele origin: germline.
Comment: In summary, the available evidence is currently insufficient to determine the role of this variant in disease. Therefore, it has been classified as a Variant of Uncertain Significance. Algorithms developed to predict the effect of missense changes on protein structure and function output the following: SIFT: "Tolerated"; PolyPhen-2: "Benign"; Align-GVGD: "Class C0". The valine amino acid residue is found in multiple mammalian species, suggesting that this missense change does not adversely affect protein function. These predictions have not been confirmed by published functional studies and their clinical significance is uncertain. This variant has not been reported in the literature in individuals with AKAP9-related conditions. This variant is not present in population databases (ExAC no frequency). This sequence change replaces alanine with valine at codon 552 of the AKAP9 protein (p.Ala552Val). The alanine residue is moderately conserved and there is a small physicochemical difference between alanine and valine.

Mayo Clinic Laboratories, Mayo Clinic
Classification: Uncertain significance. Last evaluated: 2019-10-07. Review status: criteria provided, single submitter. Criteria: ACMG Guidelines, 2015. Collection method: clinical testing. Allele origin: germline. Observed: 1 variant allele.

NM_005751.5(AKAP9):c.1655C>T (p.Ala552Val)

Gene: AKAP9 (A-kinase anchoring protein 9; plus strand). Cytogenetic location: 7q21.2.
Variant type: single nucleotide variant.
Coding change: c.1655C>T on transcript NM_005751.5 (MANE Select); coding-DNA position 1655, C replaced by T.
Protein change: p.Ala552Val; replaces alanine 552 with valine.
Molecular consequence: missense variant.
Genome position (GRCh38, 1-based): chr7:92,001,572, C>T. VCF-style: chr7-92001572-C-T. GRCh37 (hg19) VCF-style: chr7-91630886-C-T.
Other names: c.1655C>T, p.Ala552Val (NM_147185.3); short protein forms A552V.
Identifiers: ClinVar variation 1024945 (VCV001024945.14), dbSNP rs1359715379, ClinGen allele CA368122286.